The following is an entry in ClinVar:

NC_000017.10:g.(?_29622128)_(29667673_?)del

Genes: EVI2A (ecotropic viral integration site 2A; minus strand), EVI2B (ecotropic viral integration site 2B; minus strand), NF1 (neurofibromin 1; plus strand), OMG (oligodendrocyte myelin glycoprotein; minus strand). Cytogenetic location: 17q11.2.
Variant type: Deletion.
Identifiers: ClinVar variation 1454789 (VCV001454789.6).

ClinVar aggregate classification (germline): Pathogenic (1 of 4 stars; one submission).

Conditions:
Neurofibromatosis, type 1 (NF1). Also called: Neurofibromatosis, type I; VON RECKLINGHAUSEN DISEASE; NEUROFIBROMATOSIS, TYPE I, SOMATIC; Peripheral type neurofibromatosis. Identifiers: Orphanet 636, MedGen C0027831, MONDO:0018975, OMIM 162200. Disease mechanism: loss of function.

Submission:

Labcorp Genetics (formerly Invitae), Labcorp
Classification: Pathogenic for Neurofibromatosis, type 1. Last evaluated: 2020-11-02. Review status: criteria provided, single submitter. Criteria: Invitae Variant Classification Sherloc (09022015). Collection method: clinical testing. Allele origin: germline.
Comment: This variant is a gross deletion of the genomic region encompassing exon(s) 36-46 of the NF1 gene. This deletion is out-of-frame, and is expected to create a premature translational stop signal and result in an absent or disrupted protein product. Loss-of-function variants in NF1 are known to be pathogenic (PMID: 10712197, 23913538). This variant has not been reported in the literature in individuals with NF1-related conditions. For these reasons, this variant has been classified as Pathogenic.

Literature cited by the submitters: PubMed 10712197; PubMed 23913538.